The following is an entry in ClinVar:

ClinVar aggregate classification (germline): Uncertain significance. Review status: criteria provided, multiple submitters, no conflicts (2 of 4 stars). 3 submissions from 3 submitters: Uncertain significance (3). Last evaluated 2025-05-21.

Conditions:
Hereditary cancer-predisposing syndrome. Also called: Hereditary neoplastic syndrome; Neoplastic Syndromes, Hereditary; Tumor predisposition; Hereditary Cancer Syndrome. Identifiers: Orphanet 140162, MedGen C0027672, MeSH D009386, MONDO:0015356.
Hereditary nonpolyposis colorectal neoplasms. Identifiers: MedGen C0009405, MeSH D003123.

Allele frequency attached by ClinVar (database versions not stated): gnomAD exomes below 0.00001.
gnomAD v4.1: 2 of 1,614,198 alleles (0.00012%); highest among the groups gnomAD compares: Non-Finnish European, 0.00017%; no homozygotes.

Submissions (3):

Quest Diagnostics Nichols Institute San Juan Capistrano
Classification: Uncertain significance. Last evaluated: 2025-05-21. Review status: criteria provided, single submitter. Criteria: Quest Diagnostics criteria. Collection method: clinical testing. Allele origin: unknown.
Comment: The MSH6 c.962C>T (p.Ser321Leu) variant has been reported in the published literature in an individual with breast cancer in a large-scale breast cancer association study (PMID: 30925164 (2019), see also LOVD). This variant has not been reported in large, multi-ethnic general populations (Genome Aggregation Database). Analysis of this variant using bioinformatics tools for the prediction of the effect of amino acid changes on protein structure and function yielded predictions that this variant is benign. Based on the available information, we are unable to determine the clinical significance of this variant.

Labcorp Genetics (formerly Invitae), Labcorp
Classification: Uncertain significance for Hereditary nonpolyposis colorectal neoplasms. Last evaluated: 2025-03-03. Review status: criteria provided, single submitter. Criteria: Invitae Variant Classification Sherloc (09022015). Collection method: clinical testing. Allele origin: germline.
Comment: This sequence change replaces serine, which is neutral and polar, with leucine, which is neutral and non-polar, at codon 321 of the MSH6 protein (p.Ser321Leu). This variant is not present in population databases (gnomAD no frequency). This variant has not been reported in the literature in individuals affected with MSH6-related conditions. ClinVar contains an entry for this variant (Variation ID: 942199). Invitae Evidence Modeling of protein sequence and biophysical properties (such as structural, functional, and spatial information, amino acid conservation, physicochemical variation, residue mobility, and thermodynamic stability) indicates that this missense variant is not expected to disrupt MSH6 protein function with a negative predictive value of 95%. In summary, the available evidence is currently insufficient to determine the role of this variant in disease. Therefore, it has been classified as a Variant of Uncertain Significance.

Ambry Genetics
Classification: Uncertain significance for Hereditary cancer-predisposing syndrome. Last evaluated: 2023-07-12. Review status: criteria provided, single submitter. Criteria: Ambry Variant Classification Scheme 2023. Collection method: clinical testing. Allele origin: germline.
Comment: The p.S321L variant (also known as c.962C>T), located in coding exon 4 of the MSH6 gene, results from a C to T substitution at nucleotide position 962. The serine at codon 321 is replaced by leucine, an amino acid with dissimilar properties. This amino acid position is not well conserved in available vertebrate species. In addition, this alteration is predicted to be tolerated by in silico analysis. Since supporting evidence is limited at this time, the clinical significance of this alteration remains unclear.

Literature cited by the submitters: PubMed 33471991 (cited by Quest Diagnostics Nichols Institute San Juan Capistrano).

NM_000179.3(MSH6):c.962C>T (p.Ser321Leu)

Gene: MSH6 (mutS homolog 6; plus strand). Cytogenetic location: 2p16.3.
Variant type: single nucleotide variant.
Coding change: c.962C>T on transcript NM_000179.3 (MANE Select); coding-DNA position 962, C replaced by T.
Protein change: p.Ser321Leu; replaces serine 321 with leucine.
Molecular consequence: missense variant.
Genome position (GRCh38, 1-based): chr2:47,798,945, C>T. VCF-style: chr2-47798945-C-T. GRCh37 (hg19) VCF-style: chr2-48026084-C-T.
Other names: c.572C>T, p.Ser191Leu (NM_001281492.2); c.56C>T, p.Ser19Leu (NM_001281493.2, NM_001281494.2); short protein forms S191L, S19L, S321L.
Identifiers: ClinVar variation 942199 (VCV000942199.15), dbSNP rs1472853525, ClinGen allele CA346740912.